The following is an entry in ClinVar:

ClinVar aggregate classification (germline): Uncertain significance (1 of 4 stars; one submission).

Conditions:
Inborn genetic diseases. Identifiers: MedGen C0950123, MeSH D030342.

Submission:

Ambry Genetics
Classification: Uncertain significance for Inborn genetic diseases. Last evaluated: 2025-05-19. Review status: criteria provided, single submitter. Criteria: Ambry Variant Classification Scheme 2023. Collection method: clinical testing. Allele origin: germline.
Comment: The p.N362D variant (also known as c.1084A>G), located in coding exon 9 of the PAX5 gene, results from an A to G substitution at nucleotide position 1084. The asparagine at codon 362 is replaced by aspartic acid, an amino acid with highly similar properties. This amino acid position is conserved. In addition, this alteration is predicted to be tolerated by in silico analysis. Based on the available evidence, the clinical significance of this variant remains unclear.

NM_016734.3(PAX5):c.1084A>G (p.Asn362Asp)

Gene: PAX5 (paired box 5; minus strand). Cytogenetic location: 9p13.2.
Variant type: single nucleotide variant.
Coding change: c.1084A>G on transcript NM_016734.3 (MANE Select); coding-DNA position 1084, A replaced by G.
Protein change: p.Asn362Asp; replaces asparagine 362 with aspartic acid.
Molecular consequence: missense variant. On other transcripts: synonymous variant (1), non-coding transcript variant (2), intron variant (5).
Genome position (GRCh38, 1-based): chr9:36,846,858, T>C on the plus strand (A>G on the coding strand, the complement: PAX5 is on the minus strand). VCF-style: chr9-36846858-T-C. GRCh37 (hg19) VCF-style: chr9-36846855-T-C.
Other names: c.982A>G, p.Asn328Asp (NM_001280547.2); c.852A>G, p.Pro284= (NM_001280549.2); c.955A>G, p.Asn319Asp (NM_001280554.2); c.784A>G, p.Asn262Asp (NM_001280555.2); c.760A>G, p.Asn254Asp (NM_001280556.2); c.587-6222A>G (NM_001280551.2); c.884-6222A>G (NM_001280553.2); c.781-6222A>G (NM_001280550.2); and 2 more; short protein forms N319D, N254D, N328D, N262D, N362D.
Identifiers: ClinVar variation 3928333 (VCV003928333.1).
Genomic context (GRCh38, chr9:36,846,858, plus strand): 5'-TAGCTGATGGCCCAAGGGCCCCGCAGGGCCTCCGCCAGTACTCACCAAGCAGCCCCGGGT[T>C]GGGGAACCTCCAGGAGTCGTTGTACGAGGAATACTGAGGGTGGCTGTAGGGACTCCCGGA-3'
Protein context (NP_057953.1, residues 352-372): SSYNDSWRFP[Asn362Asp]PGLLGSPYYY